The following is an entry in ClinVar:

ClinVar aggregate classification (germline): Uncertain significance (1 of 4 stars; one submission).

Allele frequency attached by ClinVar (database versions not stated): gnomAD 0.00001; TOPMed 0.00001.
gnomAD v4.1: 8 of 1,550,632 alleles (0.00052%); highest among the groups gnomAD compares: Non-Finnish European, 0.0007%; no homozygotes.

Submission:

GeneDx
Classification: Uncertain significance. Last evaluated: 2023-02-02. Review status: criteria provided, single submitter. Criteria: GeneDx Variant Classification Process June 2021. Collection method: clinical testing. Allele origin: germline. Affected: yes.
Comment: Not observed at significant frequency in large population cohorts (gnomAD); In silico analysis supports that this missense variant has a deleterious effect on protein structure/function; Has not been previously published as pathogenic or benign to our knowledge

NM_001384732.1(CPLANE1):c.2015T>G (p.Leu672Arg)

Gene: CPLANE1 (ciliogenesis and planar polarity effector complex subunit 1; minus strand). Cytogenetic location: 5p13.2.
Variant type: single nucleotide variant.
Coding change: c.2015T>G on transcript NM_001384732.1 (MANE Select); coding-DNA position 2015, T replaced by G.
Protein change: p.Leu672Arg; replaces leucine 672 with arginine.
Molecular consequence: missense variant.
Genome position (GRCh38, 1-based): chr5:37,226,580, A>C on the plus strand (T>G on the coding strand, the complement: CPLANE1 is on the minus strand). VCF-style: chr5-37226580-A-C. GRCh37 (hg19) VCF-style: chr5-37226682-A-C.
Other names: c.2015T>G, p.Leu672Arg (NM_023073.4); short protein forms L672R.
Identifiers: ClinVar variation 2574848 (VCV002574848.1), dbSNP rs951749046, ClinGen allele CA359497349.